The following is an entry in ClinVar:

NM_001130987.2(DYSF):c.5906A>C (p.Asn1969Thr)

Gene: DYSF (dysferlin; plus strand). Cytogenetic location: 2p13.2.
Variant type: single nucleotide variant.
Coding change: c.5906A>C on transcript NM_001130987.2 (MANE Select); coding-DNA position 5906, A replaced by C.
Protein change: p.Asn1969Thr; replaces asparagine 1969 with threonine.
Molecular consequence: missense variant.
Genome position (GRCh38, 1-based): chr2:71,679,078, A>C. VCF-style: chr2-71679078-A-C. GRCh37 (hg19) VCF-style: chr2-71906208-A-C.
Other names: c.5789A>C (NM_003494.3); c.5792A>C, p.Asn1931Thr (NM_001130455.2); c.5747A>C, p.Asn1916Thr (NM_001130976.2); c.5810A>C, p.Asn1937Thr (NM_001130977.2); c.5852A>C, p.Asn1951Thr (NM_001130978.2); c.5882A>C, p.Asn1961Thr (NM_001130979.2); c.5840A>C, p.Asn1947Thr (NM_001130980.2); c.5903A>C, p.Asn1968Thr (NM_001130981.2); and 6 more; short protein forms N1916T, N1930T, N1937T, N1952T, N1961T, N1968T, N1948T, N1917T.
Identifiers: ClinVar variation 1435744 (VCV001435744.6), dbSNP rs775578484, ClinGen allele CA1707546.

ClinVar aggregate classification (germline): Uncertain significance. Review status: criteria provided, multiple submitters, no conflicts (2 of 4 stars). 2 submissions from 2 submitters: Uncertain significance (2). Last evaluated 2025-11-05.

Conditions:
Inborn genetic diseases. Identifiers: MedGen C0950123, MeSH D030342.
Neuromuscular disease caused by qualitative or quantitative defects of dysferlin. Also called: Qualitative or quantitative defects of dysferlin; Dysferlinopathy. Identifiers: Orphanet 207073, MedGen C2931687, MONDO:0016145.

Allele frequency attached by ClinVar (database versions not stated): gnomAD 0.00002; TOPMed 0.00002.
gnomAD v4.1: 3 of 1,613,906 alleles (0.00019%); highest among the groups gnomAD compares: African/African-American, 0.004%; no homozygotes.

Submissions (2):

Ambry Genetics
Classification: Uncertain significance for Inborn genetic diseases. Last evaluated: 2025-11-05. Review status: criteria provided, single submitter. Criteria: Ambry Variant Classification Scheme 2023. Collection method: clinical testing. Allele origin: germline.

Labcorp Genetics (formerly Invitae), Labcorp
Classification: Uncertain significance for Neuromuscular disease caused by qualitative or quantitative defects of dysferlin. Last evaluated: 2021-09-02. Review status: criteria provided, single submitter. Criteria: Invitae Variant Classification Sherloc (09022015). Collection method: clinical testing. Allele origin: germline.
Comment: This sequence change replaces asparagine with threonine at codon 1930 of the DYSF protein (p.Asn1930Thr). The asparagine residue is highly conserved and there is a small physicochemical difference between asparagine and threonine. This variant is present in population databases (rs775578484, ExAC 0.01%). This variant has not been reported in the literature in individuals affected with DYSF-related conditions. Advanced modeling of protein sequence and biophysical properties (such as structural, functional, and spatial information, amino acid conservation, physicochemical variation, residue mobility, and thermodynamic stability) performed at Invitae indicates that this missense variant is not expected to disrupt DYSF protein function. In summary, the available evidence is currently insufficient to determine the role of this variant in disease. Therefore, it has been classified as a Variant of Uncertain Significance.